The following is an entry in ClinVar:

NM_007194.4(CHEK2):c.592+102A>G

Gene: CHEK2 (checkpoint kinase 2; minus strand). Cytogenetic location: 22q12.1.
Variant type: single nucleotide variant.
Coding change: c.592+102A>G on transcript NM_007194.4 (MANE Select); 102 bases into the intron after coding-DNA position 592, A replaced by G.
Molecular consequence: intron variant.
Genome position (GRCh38, 1-based): chr22:28,724,875, T>C on the plus strand (A>G on the coding strand, the complement: CHEK2 is on the minus strand). VCF-style: chr22-28724875-T-C. GRCh37 (hg19) VCF-style: chr22-29120863-T-C.
Other names: c.-72+102A>G (NM_001437942.1); c.482+11A>G (NM_001349956.3); c.592+102A>G (NM_145862.3); c.721+102A>G (NM_001005735.3, NM_001438294.1); c.-186+102A>G (NM_001257387.3); c.685+102A>G (NM_001438295.1, NM_001438293.1).
Identifiers: ClinVar variation 4227993 (VCV004227993.1).

ClinVar aggregate classification (germline): Uncertain significance (1 of 4 stars; one submission).

Conditions:
Hereditary cancer-predisposing syndrome. Also called: Hereditary Cancer Syndrome; Hereditary neoplastic syndrome; Neoplastic Syndromes, Hereditary; Tumor predisposition. Identifiers: Orphanet 140162, MedGen C0027672, MeSH D009386, MONDO:0015356.

gnomAD v4.1: 1 of 1,272,398 alleles (0.000079%); highest among the groups gnomAD compares: African/African-American, 0.0015%; no homozygotes.

Submission:

Ambry Genetics
Classification: Uncertain significance for Hereditary cancer-predisposing syndrome. Last evaluated: 2025-08-04. Review status: criteria provided, single submitter. Criteria: Ambry Variant Classification Scheme 2023. Collection method: clinical testing. Allele origin: germline.
Comment: The c.592+102A>G intronic variant results from an A to G substitution 102 nucleotides after coding exon 3 in the CHEK2 gene. This nucleotide position is not well conserved in available vertebrate species. In silico splice site analysis predicts that this alteration may result in the creation or strengthening of a novel splice donor site and may result in the creation or strengthening of a novel splice acceptor site. RNA studies have demonstrated that this alteration results in a splice defect; the clinical impact of this abnormal splicing is unknown at this time (Ambry internal data). Based on the available evidence, the clinical significance of this variant remains unclear.